The following is an entry in ClinVar:

ClinVar aggregate classification (germline): Uncertain significance. Review status: criteria provided, multiple submitters, no conflicts (2 of 4 stars). 2 submissions from 2 submitters: Uncertain significance (2). Last evaluated 2021-06-10.

Conditions:
Ehlers-Danlos syndrome, type 4 (EDSVASC). Also called: Ehlers-Danlos syndrome vascular type; Ehlers Danlos syndrome, ecchymotic type; Ehlers Danlos syndrome, arterial type; Ehlers Danlos syndrome, Sack-Barabas type; Ehlers-Danlos Syndrome Type IV. Identifiers: Orphanet 286, MedGen C0268338, MONDO:0017314, OMIM 130050.
Familial thoracic aortic aneurysm and aortic dissection (TAAD). Also called: Thoracic aortic aneurysms and dissections. Identifiers: Orphanet 91387, MedGen C4707243, MONDO:0019625.

Allele frequency attached by ClinVar (database versions not stated): gnomAD exomes below 0.00001.
gnomAD v4.1: 1 of 1,611,912 alleles (0.000062%); highest among the groups gnomAD compares: Non-Finnish European, 0.000085%; no homozygotes.

Submissions (2):

Labcorp Genetics (formerly Invitae), Labcorp
Classification: Uncertain significance for Ehlers-Danlos syndrome, type 4. Last evaluated: 2021-06-10. Review status: criteria provided, single submitter. Criteria: Invitae Variant Classification Sherloc (09022015). Collection method: clinical testing. Allele origin: germline.
Comment: This sequence change replaces glycine with glutamic acid at codon 706 of the COL3A1 protein (p.Gly706Glu). The glycine residue is highly conserved and there is a moderate physicochemical difference between glycine and glutamic acid. This variant is not present in population databases (ExAC no frequency). This variant has been observed in individual(s) with clinical features of Ehlers-Danlos syndrome (Invitae). ClinVar contains an entry for this variant (Variation ID: 927201). Advanced modeling of protein sequence and biophysical properties (such as structural, functional, and spatial information, amino acid conservation, physicochemical variation, residue mobility, and thermodynamic stability) performed at Invitae indicates that this missense variant is not expected to disrupt COL3A1 protein function. In summary, the available evidence is currently insufficient to determine the role of this variant in disease. Therefore, it has been classified as a Variant of Uncertain Significance.

Color Diagnostics, LLC DBA Color Health
Classification: Uncertain significance for Familial thoracic aortic aneurysm and aortic dissection. Last evaluated: 2019-05-07. Review status: criteria provided, single submitter. Criteria: ACMG Guidelines, 2015. Collection method: clinical testing. Allele origin: germline.
Comment: This missense variant replaces glycine with glutamic acid at codon 706 of the COL3A1 protein. Computational prediction tools and conservation analyses are inconclusive regarding the impact of this variant on the protein function. Computational splicing tools suggest that this variant may not impact RNA splicing. To our knowledge, functional assays have not been performed for this variant nor has this variant been reported in individuals affected with cardiovascular disorders in the literature. This variant has not been identified in the general population by the Genome Aggregation Database (gnomAD). Available evidence is insufficient to determine the role of this variant in disease conclusively. Therefore, this variant is classified as a Variant of Uncertain Significance.

NM_000090.4(COL3A1):c.2117G>A (p.Gly706Glu)

Gene: COL3A1 (collagen type III alpha 1 chain; plus strand). Cytogenetic location: 2q32.2.
Variant type: single nucleotide variant.
Coding change: c.2117G>A on transcript NM_000090.4 (MANE Select); coding-DNA position 2117, G replaced by A.
Protein change: p.Gly706Glu; replaces glycine 706 with glutamic acid.
Molecular consequence: missense variant.
Genome position (GRCh38, 1-based): chr2:188,999,379, G>A. VCF-style: chr2-188999379-G-A. GRCh37 (hg19) VCF-style: chr2-189864105-G-A.
Other names: short protein forms G706E.
Identifiers: ClinVar variation 927201 (VCV000927201.13), dbSNP rs1688402397, ClinGen allele CA349840423.